The following is an entry in ClinVar:

NM_007294.4(BRCA1):c.3272C>A (p.Pro1091His)

Genes: BRCA1 (BRCA1 DNA repair associated; minus strand), LOC126862571 (BRD4-independent group 4 enhancer GRCh37_chr17:41243136-41244335; plus strand). Cytogenetic location: 17q21.31.
Variant type: single nucleotide variant.
Coding change: c.3272C>A on transcript NM_007294.4 (MANE Select); coding-DNA position 3272, C replaced by A.
Protein change: p.Pro1091His; replaces proline 1091 with histidine.
Molecular consequence: missense variant. On other transcripts: intron variant (137).
Genome position (GRCh38, 1-based): chr17:43,092,259, G>T on the plus strand (C>A on the coding strand, the complement: BRCA1 is on the minus strand). VCF-style: chr17-43092259-G-T. GRCh37 (hg19) VCF-style: chr17-41244276-G-T.
Other names: c.3059C>A, p.Pro1020His (NM_001407571.1, NM_001407853.1, NM_001407894.1 and 9 more transcripts); c.3272C>A, p.Pro1091His (NM_001407581.1, NM_001407582.1, NM_001407583.1 and 30 more transcripts); c.3269C>A, p.Pro1090His (NM_001407587.1, NM_001407590.1, NM_001407591.1 and 22 more transcripts); c.3194C>A, p.Pro1065His (NM_001407655.1, NM_001407656.1, NM_001407657.1 and 4 more transcripts); c.3191C>A, p.Pro1064His (NM_001407659.1, NM_001407660.1, NM_001407661.1 and 1 more transcripts); c.3263C>A, p.Pro1088His (NM_001407646.1, NM_001407647.1); c.3149C>A, p.Pro1050His (NM_001407648.1, NM_001407664.1, NM_001407665.1 and 19 more transcripts); c.3146C>A, p.Pro1049His (NM_001407649.1, NM_001407670.1, NM_001407671.1 and 11 more transcripts); and 41 more; short protein forms P1021H, P1024H, P1049H, P1065H, P923H, P963H, P980H, P1020H.
Identifiers: ClinVar variation 5033182 (VCV005033182.1).

ClinVar aggregate classification (germline): Uncertain significance (1 of 4 stars; one submission).

Conditions:
Hereditary cancer-predisposing syndrome. Also called: Neoplastic Syndromes, Hereditary; Tumor predisposition; Hereditary neoplastic syndrome; Hereditary Cancer Syndrome. Identifiers: Orphanet 140162, MedGen C0027672, MeSH D009386, MONDO:0015356.

Submission:

Ambry Genetics
Classification: Uncertain significance for Hereditary cancer-predisposing syndrome. Last evaluated: 2026-07-07. Review status: criteria provided, single submitter. Criteria: Ambry Variant Classification Scheme 2023. Collection method: clinical testing. Allele origin: germline.
Comment: The p.P1091H variant (also known as c.3272C>A), located in coding exon 9 of the BRCA1 gene, results from a C to A substitution at nucleotide position 3272. The proline at codon 1091 is replaced by histidine, an amino acid with similar properties. This amino acid position is conserved. In addition, the in silico prediction for this alteration is inconclusive. Based on the available evidence, the clinical significance of this variant remains unclear.